The following is an entry in ClinVar:

NM_001267550.2(TTN):c.39379+8G>A

Gene: TTN (titin; minus strand). Cytogenetic location: 2q31.2.
Variant type: single nucleotide variant.
Coding change: c.39379+8G>A on transcript NM_001267550.2 (MANE Select); 8 bases into the intron after coding-DNA position 39379, G replaced by A.
Molecular consequence: intron variant.
Genome position (GRCh38, 1-based): chr2:178,651,876, C>T on the plus strand (G>A on the coding strand, the complement: TTN is on the minus strand). VCF-style: chr2-178651876-C-T. GRCh37 (hg19) VCF-style: chr2-179516603-C-T.
Other names: c.13283-9559G>A (NM_003319.4); c.13859-9559G>A (NM_133437.4); c.13658-9559G>A (NM_133432.3); c.32077+8G>A (NM_133378.4); c.34858+8G>A (NM_001256850.1).
Identifiers: ClinVar variation 1701399 (VCV001701399.36), dbSNP rs1272590741, ClinGen allele CA538436638.

ClinVar aggregate classification (germline): Likely benign. Review status: criteria provided, multiple submitters, no conflicts (2 of 4 stars). 2 submissions from 2 submitters: Likely benign (2). Last evaluated 2025-11-18.

Conditions:
Dilated cardiomyopathy 1G (CMD1G). Identifiers: Orphanet 154, MedGen C1858763, MONDO:0011400, OMIM 604145.
Autosomal recessive limb-girdle muscular dystrophy type 2J (LGMDR10). Also called: MUSCULAR DYSTROPHY, LIMB-GIRDLE, AUTOSOMAL RECESSIVE 10; Limb-girdle muscular dystrophy, type 2J. Identifiers: Orphanet 140922, MedGen C1837342, MONDO:0012127, OMIM 608807.

Allele frequency attached by ClinVar (database versions not stated): gnomAD exomes below 0.00001; TOPMed 0.00002.
gnomAD v4.1: 4 of 1,605,042 alleles (0.00025%); highest among the groups gnomAD compares: Middle Eastern, 0.017%; no homozygotes.

Submissions (2):

Labcorp Genetics (formerly Invitae), Labcorp
Classification: Likely benign for Dilated cardiomyopathy 1G; Autosomal recessive limb-girdle muscular dystrophy type 2J. Last evaluated: 2025-11-18. Review status: criteria provided, single submitter. Criteria: Invitae Variant Classification Sherloc (09022015). Collection method: clinical testing. Allele origin: germline.

CeGaT Center for Human Genetics Tuebingen
Classification: Likely benign. Last evaluated: 2024-06-01. Review status: criteria provided, single submitter. Criteria: CeGaT Center For Human Genetics Tuebingen Variant Classification Criteria Version 2. Collection method: clinical testing. Allele origin: germline. Affected: yes. Observed: 2 variant alleles.
Comment: TTN: BP4